The following is an entry in ClinVar:

NM_006922.4(SCN3A):c.4982T>C (p.Leu1661Pro)

Gene: SCN3A (sodium voltage-gated channel alpha subunit 3; minus strand). Cytogenetic location: 2q24.3.
Variant type: single nucleotide variant.
Coding change: c.4982T>C on transcript NM_006922.4 (MANE Select); coding-DNA position 4982, T replaced by C.
Protein change: p.Leu1661Pro; replaces leucine 1661 with proline.
Molecular consequence: missense variant.
Genome position (GRCh38, 1-based): chr2:165,091,171, A>G on the plus strand (T>C on the coding strand, the complement: SCN3A is on the minus strand). VCF-style: chr2-165091171-A-G. GRCh37 (hg19) VCF-style: chr2-165947681-A-G.
Other names: c.4835T>C, p.Leu1612Pro (NM_001081676.2, NM_001081677.2); short protein forms L1612P, L1661P.
Identifiers: ClinVar variation 933775 (VCV000933775.9), dbSNP rs1685083511, ClinGen allele CA349017735.

ClinVar aggregate classification (germline): Uncertain significance (1 of 4 stars; one submission).

Submission:

Labcorp Genetics (formerly Invitae), Labcorp
Classification: Uncertain significance. Last evaluated: 2022-10-01. Review status: criteria provided, single submitter. Criteria: Invitae Variant Classification Sherloc (09022015). Collection method: clinical testing. Allele origin: germline.
Comment: In summary, the available evidence is currently insufficient to determine the role of this variant in disease. Therefore, it has been classified as a Variant of Uncertain Significance. Advanced modeling of protein sequence and biophysical properties (such as structural, functional, and spatial information, amino acid conservation, physicochemical variation, residue mobility, and thermodynamic stability) performed at Invitae indicates that this missense variant is expected to disrupt SCN3A protein function. ClinVar contains an entry for this variant (Variation ID: 933775). This variant has not been reported in the literature in individuals affected with SCN3A-related conditions. This variant is not present in population databases (gnomAD no frequency). This sequence change replaces leucine, which is neutral and non-polar, with proline, which is neutral and non-polar, at codon 1661 of the SCN3A protein (p.Leu1661Pro).